The following is an entry in ClinVar:

NM_001318852.2(MAPK8IP3):c.102C>G (p.Gly34=)

Gene: MAPK8IP3 (mitogen-activated protein kinase 8 interacting protein 3; plus strand). Cytogenetic location: 16p13.3.
Variant type: single nucleotide variant.
Coding change: c.102C>G on transcript NM_001318852.2 (MANE Select); coding-DNA position 102, C replaced by G.
Protein change: p.Gly34=; no amino-acid change (glycine 34 retained).
Molecular consequence: synonymous variant.
Genome position (GRCh38, 1-based): chr16:1,706,441, C>G. VCF-style: chr16-1706441-C-G. GRCh37 (hg19) VCF-style: chr16-1756442-C-G.
Other names: c.102C>G, p.Gly34= (NM_001040439.2, NM_015133.5).
Identifiers: ClinVar variation 5038953 (VCV005038953.1).

ClinVar aggregate classification (germline): Likely benign (1 of 4 stars; one submission).

gnomAD v4.1: 222 of 1,613,890 alleles (0.014%); highest among the groups gnomAD compares: South Asian, 0.23%; 5 homozygotes.

Submission:

CeGaT Center for Human Genetics Tuebingen
Classification: Likely benign. Last evaluated: 2026-08-01. Review status: criteria provided, single submitter. Criteria: CeGaT Center For Human Genetics Tuebingen Variant Classification Criteria Version 2. Collection method: clinical testing. Allele origin: germline. Affected: yes. Observed: 1 variant allele.
Comment: MAPK8IP3: BP4, BP7, BS1